The following is an entry in ClinVar:

NM_006073.4(TRDN):c.1322-1G>A

Gene: TRDN (triadin; minus strand). Cytogenetic location: 6q22.31.
Variant type: single nucleotide variant.
Coding change: c.1322-1G>A on transcript NM_006073.4 (MANE Select); the canonical splice acceptor site of the intron before coding-DNA position 1322, G replaced by A.
Molecular consequence: splice acceptor variant.
Genome position (GRCh38, 1-based): chr6:123,352,587, C>T on the plus strand (G>A on the coding strand, the complement: TRDN is on the minus strand). VCF-style: chr6-123352587-C-T. GRCh37 (hg19) VCF-style: chr6-123673732-C-T.
Other names: c.1265-1G>A (NM_001407315.1); c.1325-1G>A (NM_001251987.2).
Identifiers: ClinVar variation 1769928 (VCV001769928.2), dbSNP rs950963456, ClinGen allele CA147251400.

ClinVar aggregate classification (germline): Uncertain significance (1 of 4 stars; one submission).

Conditions:
Cardiovascular phenotype. Identifiers: MedGen CN230736.

Allele frequency attached by ClinVar (database versions not stated): gnomAD exomes 0.00001.
gnomAD v4.1: 18 of 1,609,512 alleles (0.0011%); highest among the groups gnomAD compares: Non-Finnish European, 0.0015%; no homozygotes.

Submission:

Ambry Genetics
Classification: Uncertain significance for Cardiovascular phenotype. Last evaluated: 2018-02-16. Review status: criteria provided, single submitter. Criteria: Ambry Variant Classification Scheme 2023. Collection method: clinical testing. Allele origin: germline.
Comment: The c.1322-1G>A intronic variant results from a G to A substitution one nucleotide upstream from coding exon 21 of the TRDN gene. Alterations that disrupt the canonical splice site are expected to cause aberrant splicing, resulting in an abnormal protein or a transcript that is subject to nonsense-mediated mRNA decay (NMD). However, this alteration is not expected to affect the predominant cardiac isoform of TRDN (Kobayashi YM et al. J. Biol. Chem., 1999 Oct;274:28660-8), but only the skeletal isoform. In addition, it is in the last intron of the skeletal isoform and so is not expected to induce NMD. Since supporting evidence is limited at this time, the clinical significance of this alteration remains unclear.

Literature cited by the submitters: PubMed 10497235.